The following is an entry in ClinVar:

ClinVar aggregate classification (germline): Pathogenic (1 of 4 stars; one submission).

Conditions:
Bardet-Biedl syndrome (BBS). Identifiers: Orphanet 110, MedGen C0752166, MONDO:0015229.

Submission:

Labcorp Genetics (formerly Invitae), Labcorp
Classification: Pathogenic for Bardet-Biedl syndrome. Last evaluated: 2023-02-11. Review status: criteria provided, single submitter. Criteria: Invitae Variant Classification Sherloc (09022015). Collection method: clinical testing. Allele origin: germline.
Comment: This variant is not present in population databases (gnomAD no frequency). For these reasons, this variant has been classified as Pathogenic. This variant has not been reported in the literature in individuals affected with BBS1-related conditions. This sequence change creates a premature translational stop signal (p.Asn269Serfs*95) in the BBS1 gene. It is expected to result in an absent or disrupted protein product. Loss-of-function variants in BBS1 are known to be pathogenic (PMID: 12118255, 21520335, 27032803).

Literature cited by the submitters: PubMed 12118255; PubMed 21520335; PubMed 27032803.

NM_024649.5(BBS1):c.796_805dup (p.Asn269fs)

Genes: BBS1 (Bardet-Biedl syndrome 1; plus strand), ZDHHC24 (zDHHC palmitoyltransferase 24; minus strand). Cytogenetic location: 11q13.2.
Variant type: Duplication.
Coding change: c.796_805dup on transcript NM_024649.5 (MANE Select); coding-DNA positions 796 to 805, 10 bases duplicated (GCCTGCCGCA; older notation c.796_805dupGCCTGCCGCA).
Protein change: p.Asn269fs; shifts the reading frame from asparagine 269.
Molecular consequence: frameshift variant. On other transcripts: 3 prime UTR variant (1).
Genome position (GRCh38, 1-based): chr11:66,521,342-66,521,351, GCCTGCCGCA duplicated. VCF-style (leftmost placement, unchanged base first): chr11-66521341-G-GGCCTGCCGCA. GRCh37 (hg19) VCF-style: chr11-66288812-G-GGCCTGCCGCA.
Other names: c.*137_*146dup (NM_001348571.2); short protein forms N269fs.
Identifiers: ClinVar variation 2836346 (VCV002836346.3), dbSNP rs2495760621, ClinGen allele CA2739270548.
Genomic context (GRCh38, chr11:66,521,341, plus strand): 5'-CAGCGTCCCCGTCTTCCTAGAGGTTTCTGGCCAGTTTGATGTTGAGTTCCGGCTTGCCGC[G>GGCCTGCCGCA]GCCTGCCGCAATGGAAACATCTATATTCTGAGAAGGTAGCCACATCCGTGGTCTCCGGGG-3'